The following is an entry in ClinVar:

ClinVar aggregate classification (germline): Conflicting classifications of pathogenicity. Review status: criteria provided, conflicting classifications (1 of 4 stars). 4 submissions from 4 submitters: Uncertain significance (2); Benign (1). 1 of the submissions does not count toward it. Last evaluated 2025-02-01.

Conditions:
Amyotrophic lateral sclerosis type 18. Identifiers: Orphanet 803, MedGen C3553719, MONDO:0013891, OMIM 614808.

Allele frequency attached by ClinVar (database versions not stated): ESP Exome Variant Server 0.00023; 1000 Genomes Project 0.00040; ExAC 0.00041; gnomAD exomes 0.00050 and 0.00116; gnomAD 0.00057 and 0.00060; TOPMed 0.00059.
gnomAD v4.1: 1,759 of 1,613,144 alleles (0.11%); highest among the groups gnomAD compares: Non-Finnish European, 0.14%; 1 homozygote.

Submissions (4):

CeGaT Center for Human Genetics Tuebingen
Classification: Benign. Last evaluated: 2025-02-01. Review status: criteria provided, single submitter. Criteria: CeGaT Center For Human Genetics Tuebingen Variant Classification Criteria Version 2. Collection method: clinical testing. Allele origin: germline. Affected: yes. Observed: 2 variant alleles.
Comment: PFN1: BS1, BS2

Women's Health and Genetics/Laboratory Corporation of America, LabCorp
Classification: Uncertain significance. Last evaluated: 2023-03-06. Review status: criteria provided, single submitter. Criteria: LabCorp Variant Classification Summary - May 2015. Collection method: clinical testing. Allele origin: germline.
Comment: Variant summary: PFN1 c.350A>G (p.Glu117Gly) results in a non-conservative amino acid change in the encoded protein sequence. Three of five in-silico tools predict a damaging effect of the variant on protein function. The variant allele was found at a frequency of 0.0005 in 251482 control chromosomes. This frequency does not allow conclusions about variant significance. c.350A>G has been reported in the literature in individuals affected with PFN1-Related Disorders such as familial and sporadic Amyotrophic Lateral Sclerosis (ALS), Frontotemporal Dementia (FTD) and in unaffected controls with a reported moderate risk of association and a 95% CI that slightly overlaps 1 (example, PMID: 24309268). These report(s) do not provide unequivocal conclusions about an inherited penetrant association of the variant with PFN1-Related Disorders. Experimental evidence demonstrating an impact on protein function have suggested conflicting mechanism of action, namely gain of function due to TDP43 accumulation and loss of function due to altered stress granule dynamics (example, PMID: 26908597). One clinical diagnostic laboratory has submitted clinical-significance assessments for this variant to ClinVar after 2014 without evidence for independent evaluation and classified the variant as uncertain significance. Based on the evidence outlined above, the variant was classified as uncertain significance.

Mendelics
Classification: Uncertain significance. Last evaluated: 2022-05-04. Review status: criteria provided, single submitter. Criteria: Mendelics Assertion Criteria 2019. Collection method: clinical testing. Allele origin: germline.

OMIM
Classification: Pathogenic for AMYOTROPHIC LATERAL SCLEROSIS 18. Last evaluated: 2012-08-23. Review status: no assertion criteria provided. Collection method: literature only. Allele origin: germline. Not counted in ClinVar's aggregate classification.

Literature cited by the submitters: PubMed 24309268 (cited by Women's Health and Genetics/Laboratory Corporation of America, LabCorp); PubMed 26908597 (cited by Women's Health and Genetics/Laboratory Corporation of America, LabCorp); PubMed 22801503 (cited by OMIM).

NM_005022.4(PFN1):c.350A>G (p.Glu117Gly)

Gene: PFN1 (profilin 1; minus strand). Cytogenetic location: 17p13.2.
Variant type: single nucleotide variant.
Coding change: c.350A>G on transcript NM_005022.4 (MANE Select); coding-DNA position 350, A replaced by G.
Protein change: p.Glu117Gly; replaces glutamic acid 117 with glycine.
Molecular consequence: missense variant. On other transcripts: 3 prime UTR variant (1).
Genome position (GRCh38, 1-based): chr17:4,945,973, T>C on the plus strand (A>G on the coding strand, the complement: PFN1 is on the minus strand). VCF-style: chr17-4945973-T-C. GRCh37 (hg19) VCF-style: chr17-4849268-T-C.
Other names: c.*434A>G (NM_001375991.1); c.350A>G (NM_005022.3); short protein forms E117G.
Identifiers: ClinVar variation 37037 (VCV000037037.17), dbSNP rs140547520, ClinGen allele CA260578.
Genomic context (GRCh38, chr17:4,945,973, plus strand): 5'-CGCCGAAGGTGGGAGGCCATTTCATAACATTTCTTGTTGATCAAACCACCGTGGACACCT[T>C]CTTTGCCCATCAGCAGGACTAGCGCTGGAGGAGGAGGAAAGAGAAAGGAGGCTAGGATCC-3'
Protein context (NP_005013.1, residues 107-127): DKTLVLLMGK[Glu117Gly]GVHGGLINKK